The following is an entry in ClinVar:

NM_000265.7(NCF1):c.574G>A (p.Gly192Ser)

Genes: NCF1 (neutrophil cytosolic factor 1; plus strand), LOC106029312 (Williams-Beuren syndrome medial block B recombination region; plus strand). Cytogenetic location: 7q11.23.
Variant type: single nucleotide variant.
Coding change: c.574G>A on transcript NM_000265.7 (MANE Select); coding-DNA position 574, G replaced by A.
Protein change: p.Gly192Ser; replaces glycine 192 with serine.
Molecular consequence: missense variant.
Genome position (GRCh38, 1-based): chr7:74,783,061, G>A. VCF-style: chr7-74783061-G-A. GRCh37 (hg19) VCF-style: chr7-74197404-G-A.
Other names: short protein forms G192S.
Identifiers: ClinVar variation 2255 (VCV000002255.5), dbSNP rs119103273, ClinGen allele CA115446.

ClinVar aggregate classification (germline): Pathogenic/Likely pathogenic. Review status: criteria provided, multiple submitters, no conflicts (2 of 4 stars). 3 submissions from 3 submitters: Pathogenic (1); Likely pathogenic (1). 1 of the submissions does not count toward it. Last evaluated 2023-09-08.

Conditions:
NCF1-related disorders.
Granulomatous disease, chronic, autosomal recessive, cytochrome b-positive, type 1. Also called: CGD, AUTOSOMAL RECESSIVE CYTOCHROME b-POSITIVE, TYPE I; GRANULOMATOUS DISEASE, CHRONIC, DUE TO NCF1 DEFICIENCY; Chronic granulomatous disease 1, autosomal recessive; Chronic granulomatous disease due to deficiency of NCF-1; Chronic Granulomatous Disease, Autosomal Recessive, Cytochrome b-Positive, Type I. Identifiers: Orphanet 379, MedGen C1856251, MONDO:0009309, OMIM 233700.

Allele frequency attached by ClinVar (database versions not stated): ExAC 0.00003; gnomAD 0.00001; gnomAD exomes 0.00002 and 0.00003.
gnomAD v4.1: 27 of 1,611,262 alleles (0.0017%); highest among the groups gnomAD compares: South Asian, 0.0033%; no homozygotes.

Submissions (3):

Blueprint Genetics
Classification: Pathogenic for NCF1-related disorders. Last evaluated: 2023-09-08. Review status: criteria provided, single submitter. Criteria: ACMG Guidelines, 2015. Collection method: clinical testing. Allele origin: germline. Affected: yes. Observed: 2 variant alleles.

Juno Genomics, Hangzhou Juno Genomics, Inc
Classification: Likely pathogenic for Granulomatous disease, chronic, autosomal recessive, cytochrome b-positive, type 1. Review status: criteria provided, single submitter. Criteria: ACMG Guidelines, 2015. Collection method: clinical testing. Allele origin: germline.
Comment: Absent from controls (or at extremely low frequency if recessive) in Genome Aggregation Database.;Multiple lines of computational evidence support a deleterious effect on the gene or gene product.;For recessive disorders, detected in trans with a pathogenic variant.;Patient's phenotype or family history is highly specific for a disease with a single genetic etiology.

OMIM
Classification: Pathogenic for GRANULOMATOUS DISEASE, CHRONIC, AUTOSOMAL RECESSIVE, 1. Last evaluated: 2006-12-01. Review status: no assertion criteria provided. Collection method: literature only. Allele origin: germline. Not counted in ClinVar's aggregate classification.

Literature cited by the submitters: PubMed 11133775 (cited by OMIM); PubMed 16972229 (cited by OMIM).